The following is an entry in ClinVar:

NM_182972.3(IRF2BP2):c.1688C>T (p.Pro563Leu)

Gene: IRF2BP2 (interferon regulatory factor 2 binding protein 2; minus strand). Cytogenetic location: 1q42.3.
Variant type: single nucleotide variant.
Coding change: c.1688C>T on transcript NM_182972.3 (MANE Select); coding-DNA position 1688, C replaced by T.
Protein change: p.Pro563Leu; replaces proline 563 with leucine.
Molecular consequence: missense variant.
Genome position (GRCh38, 1-based): chr1:234,607,213, G>A on the plus strand (C>T on the coding strand, the complement: IRF2BP2 is on the minus strand). VCF-style: chr1-234607213-G-A. GRCh37 (hg19) VCF-style: chr1-234742959-G-A.
Other names: c.1640C>T, p.Pro547Leu (NM_001077397.1); short protein forms P563L, P547L.
Identifiers: ClinVar variation 1040332 (VCV001040332.5), dbSNP rs1672188409, ClinGen allele CA345304947.

ClinVar aggregate classification (germline): Uncertain significance (1 of 4 stars; one submission).

Submission:

Labcorp Genetics (formerly Invitae), Labcorp
Classification: Uncertain significance. Last evaluated: 2022-10-04. Review status: criteria provided, single submitter. Criteria: Invitae Variant Classification Sherloc (09022015). Collection method: clinical testing. Allele origin: germline.
Comment: ClinVar contains an entry for this variant (Variation ID: 1040332). Algorithms developed to predict the effect of missense changes on protein structure and function (SIFT, PolyPhen-2, Align-GVGD) all suggest that this variant is likely to be disruptive. In summary, the available evidence is currently insufficient to determine the role of this variant in disease. Therefore, it has been classified as a Variant of Uncertain Significance. This sequence change replaces proline, which is neutral and non-polar, with leucine, which is neutral and non-polar, at codon 563 of the IRF2BP2 protein (p.Pro563Leu). This variant is not present in population databases (gnomAD no frequency). This variant has not been reported in the literature in individuals affected with IRF2BP2-related conditions.